The following is an entry in ClinVar:

NM_025074.7(FRAS1):c.6925G>C (p.Asp2309His)

Gene: FRAS1 (Fraser extracellular matrix complex subunit 1; plus strand). Cytogenetic location: 4q21.21.
Variant type: single nucleotide variant.
Coding change: c.6925G>C on transcript NM_025074.7 (MANE Select); coding-DNA position 6925, G replaced by C.
Protein change: p.Asp2309His; replaces aspartic acid 2309 with histidine.
Molecular consequence: missense variant.
Genome position (GRCh38, 1-based): chr4:78,464,479, G>C. VCF-style: chr4-78464479-G-C. GRCh37 (hg19) VCF-style: chr4-79385633-G-C.
Other names: short protein forms D2309H.
Identifiers: ClinVar variation 392876 (VCV000392876.7), dbSNP rs548644433, ClinGen allele CA2977933.
Genomic context (GRCh38, chr4:78,464,479, plus strand): 5'-ACCTGCACTTTCCTGCCATTCTAGGTGACTCAGACTTTCCATATCACTCTTCACCCTGTC[G>C]ATGATTCGCTGCCCGTCGTACAGAACTTAGGAATGCGGGTGCAGGAGGGCATGAGGAAGA-3'
Protein context (NP_079350.5, residues 2299-2319): QTFHITLHPV[Asp2309His]DSLPVVQNLG

ClinVar aggregate classification (germline): Uncertain significance. Review status: criteria provided, multiple submitters, no conflicts (2 of 4 stars). 3 submissions from 3 submitters: Uncertain significance (3). Last evaluated 2024-02-07.

Conditions:
Fraser syndrome 1 (FRASRS1). Also called: CRYPTOPHTHALMOS WITH OTHER MALFORMATIONS. Identifiers: Orphanet 2052, MedGen C4551480, MONDO:0054737, OMIM 219000.

Allele frequency attached by ClinVar (database versions not stated): TOPMed below 0.00001; ExAC 0.00004; 1000 Genomes Project 0.00020; 1000 Genomes Project 30x 0.00031.
gnomAD v4.1: 43 of 1,613,972 alleles (0.0027%); highest among the groups gnomAD compares: South Asian, 0.047%; 2 homozygotes.

Submissions (3):

Fulgent Genetics
Classification: Uncertain significance for Fraser syndrome 1. Last evaluated: 2024-02-07. Review status: criteria provided, single submitter. Criteria: ACMG Guidelines, 2015. Collection method: clinical testing. Allele origin: germline.

Labcorp Genetics (formerly Invitae), Labcorp
Classification: Uncertain significance. Last evaluated: 2022-07-23. Review status: criteria provided, single submitter. Criteria: Invitae Variant Classification Sherloc (09022015). Collection method: clinical testing. Allele origin: germline.
Comment: This sequence change replaces aspartic acid, which is acidic and polar, with histidine, which is basic and polar, at codon 2309 of the FRAS1 protein (p.Asp2309His). This variant is present in population databases (rs548644433, gnomAD 0.03%). This variant has not been reported in the literature in individuals affected with FRAS1-related conditions. ClinVar contains an entry for this variant (Variation ID: 392876). Algorithms developed to predict the effect of missense changes on protein structure and function are either unavailable or do not agree on the potential impact of this missense change (SIFT: "Deleterious"; PolyPhen-2: "Probably Damaging"; Align-GVGD: "Class C0"). Algorithms developed to predict the effect of sequence changes on RNA splicing suggest that this variant may create or strengthen a splice site. In summary, the available evidence is currently insufficient to determine the role of this variant in disease. Therefore, it has been classified as a Variant of Uncertain Significance.

GeneDx
Classification: Uncertain significance. Last evaluated: 2019-05-01. Review status: criteria provided, single submitter. Criteria: GeneDx Variant Classification Process June 2021. Collection method: clinical testing. Allele origin: germline. Affected: yes.
Comment: Has not been previously published as pathogenic or benign to our knowledge; In silico analysis, which includes protein predictors and evolutionary conservation, supports a deleterious effect